The following is an entry in ClinVar:

ClinVar aggregate classification (germline): Uncertain significance. Review status: criteria provided, multiple submitters, no conflicts (2 of 4 stars). 2 submissions from 2 submitters: Uncertain significance (2). Last evaluated 2025-12-29.

Conditions:
ABCC6-related disorder. Also called: ABCC6-related condition.
Autosomal recessive inherited pseudoxanthoma elasticum (PXE). Identifiers: Orphanet 758, MedGen CN032334, MONDO:0009925, OMIM 264800.
Pseudoxanthoma elasticum, forme fruste. Also called: PSEUDOXANTHOMA ELASTICUM, HETEROZYGOUS; Pseudoxanthoma Elasticum, Incomplete. Identifiers: Orphanet 758, MedGen C1867450, MONDO:0008333, OMIM 177850.
Arterial calcification, generalized, of infancy, 2. Identifiers: Orphanet 51608, MedGen C3276161, MONDO:0013768, OMIM 614473.

gnomAD v4.1: 15 of 1,603,636 alleles (0.00094%); highest among the groups gnomAD compares: Admixed American, 0.0068%; no homozygotes.

Submissions (2):

PreventionGenetics, part of Exact Sciences
Classification: Uncertain significance for ABCC6-related condition. Last evaluated: 2025-12-29. Review status: criteria provided, single submitter. Criteria: ACMG Guidelines, 2015. Collection method: clinical testing. Allele origin: germline.
Comment: The ABCC6 c.2890C>T variant is predicted to result in the amino acid substitution p.Arg964Trp. To our knowledge, this variant has not been reported in the literature. This variant is reported in 0.010% of alleles in individuals of European (Finnish) descent in gnomAD. At this time, the clinical significance of this variant is uncertain due to the absence of conclusive functional and genetic evidence.

Fulgent Genetics
Classification: Uncertain significance for Pseudoxanthoma elasticum, forme fruste; Autosomal recessive inherited pseudoxanthoma elasticum; Arterial calcification, generalized, of infancy, 2. Last evaluated: 2024-02-28. Review status: criteria provided, single submitter. Criteria: ACMG Guidelines, 2015. Collection method: clinical testing. Allele origin: germline.

NM_001171.6(ABCC6):c.2890C>T (p.Arg964Trp)

Gene: ABCC6 (ATP binding cassette subfamily C member 6; minus strand). Cytogenetic location: 16p13.11.
Variant type: single nucleotide variant.
Coding change: c.2890C>T on transcript NM_001171.6 (MANE Select); coding-DNA position 2890, C replaced by T.
Protein change: p.Arg964Trp; replaces arginine 964 with tryptophan.
Molecular consequence: missense variant. On other transcripts: non-coding transcript variant (1).
Genome position (GRCh38, 1-based): chr16:16,169,751, G>A on the plus strand (C>T on the coding strand, the complement: ABCC6 is on the minus strand). VCF-style: chr16-16169751-G-A. GRCh37 (hg19) VCF-style: chr16-16263608-G-A.
Other names: c.2890C>T (NM_001171.5); c.2548C>T, p.Arg850Trp (NM_001351800.1); short protein forms R850W, R964W.
Identifiers: ClinVar variation 3578565 (VCV003578565.2).